The following is an entry in ClinVar:

NM_014208.3(DSPP):c.268G>A (p.Gly90Arg)

Genes: DMP1-AS1 (DMP1 and DSPP antisense RNA 1; minus strand), DSPP (dentin sialophosphoprotein; plus strand). Cytogenetic location: 4q22.1.
Variant type: single nucleotide variant.
Coding change: c.268G>A on transcript NM_014208.3 (MANE Select); coding-DNA position 268, G replaced by A.
Protein change: p.Gly90Arg; replaces glycine 90 with arginine.
Molecular consequence: missense variant.
Genome position (GRCh38, 1-based): chr4:87,612,454, G>A. VCF-style: chr4-87612454-G-A. GRCh37 (hg19) VCF-style: chr4-88533606-G-A.
Other names: short protein forms G90R.
Identifiers: ClinVar variation 1369970 (VCV001369970.8), dbSNP rs1727753644, ClinGen allele CA357603182.

ClinVar aggregate classification (germline): Uncertain significance (1 of 4 stars; one submission).

Allele frequency attached by ClinVar (database versions not stated): gnomAD 0.00001; gnomAD exomes 0.00001.
gnomAD v4.1: 4 of 1,613,796 alleles (0.00025%); highest among the groups gnomAD compares: South Asian, 0.0044%; no homozygotes.

Submission:

Labcorp Genetics (formerly Invitae), Labcorp
Classification: Uncertain significance. Last evaluated: 2024-03-18. Review status: criteria provided, single submitter. Criteria: Invitae Variant Classification Sherloc (09022015). Collection method: clinical testing. Allele origin: germline.
Comment: This sequence change replaces glycine, which is neutral and non-polar, with arginine, which is basic and polar, at codon 90 of the DSPP protein (p.Gly90Arg). This variant is not present in population databases (gnomAD no frequency). This variant has not been reported in the literature in individuals affected with DSPP-related conditions. ClinVar contains an entry for this variant (Variation ID: 1369970). Algorithms developed to predict the effect of missense changes on protein structure and function output the following: SIFT: "Not Available"; PolyPhen-2: "Possibly Damaging"; Align-GVGD: "Not Available". The arginine amino acid residue is found in multiple mammalian species, which suggests that this missense change does not adversely affect protein function. In summary, the available evidence is currently insufficient to determine the role of this variant in disease. Therefore, it has been classified as a Variant of Uncertain Significance.